The following is an entry in ClinVar:

ClinVar aggregate classification (germline): Uncertain significance (1 of 4 stars; one submission).

Conditions:
Cohen-Gibson syndrome (COGIS). Also called: EED-Related Overgrowth. Identifiers: Orphanet 659396, MedGen C4479654, MONDO:0060510, OMIM 617561.

Submission:

Labcorp Genetics (formerly Invitae), Labcorp
Classification: Uncertain significance for Cohen-Gibson syndrome. Last evaluated: 2024-08-23. Review status: criteria provided, single submitter. Criteria: Invitae Variant Classification Sherloc (09022015). Collection method: clinical testing. Allele origin: germline.
Comment: This sequence change falls in intron 5 of the EED gene. It does not directly change the encoded amino acid sequence of the EED protein. It affects a nucleotide within the consensus splice site. This variant is not present in population databases (gnomAD no frequency). This variant has not been reported in the literature in individuals affected with EED-related conditions. Variants that disrupt the consensus splice site are a relatively common cause of aberrant splicing (PMID: 17576681, 9536098). Algorithms developed to predict the effect of sequence changes on RNA splicing suggest that this variant is not likely to affect RNA splicing. In summary, the available evidence is currently insufficient to determine the role of this variant in disease. Therefore, it has been classified as a Variant of Uncertain Significance.

Literature cited by the submitters: PubMed 17576681; PubMed 9536098.

NM_003797.5(EED):c.552+4G>A

Gene: EED (embryonic ectoderm development; plus strand). Cytogenetic location: 11q14.2.
Variant type: single nucleotide variant.
Coding change: c.552+4G>A on transcript NM_003797.5 (MANE Select); 4 bases into the intron after coding-DNA position 552, G replaced by A.
Molecular consequence: intron variant.
Genome position (GRCh38, 1-based): chr11:86,256,516, G>A. VCF-style: chr11-86256516-G-A. GRCh37 (hg19) VCF-style: chr11-85967558-G-A.
Other names: c.552+4G>A (NM_001308007.2, NM_001330334.2).
Identifiers: ClinVar variation 2963369 (VCV002963369.3), dbSNP rs2495804176, ClinGen allele CA2574942704.